The following is an entry in ClinVar:

NM_000051.4(ATM):c.3678T>C (p.Asp1226=)

Gene: ATM (ATM serine/threonine kinase; plus strand). Cytogenetic location: 11q22.3.
Variant type: single nucleotide variant.
Coding change: c.3678T>C on transcript NM_000051.4 (MANE Select); coding-DNA position 3678, T replaced by C.
Protein change: p.Asp1226=; no amino-acid change (aspartic acid 1226 retained).
Molecular consequence: synonymous variant.
Genome position (GRCh38, 1-based): chr11:108,282,811, T>C. VCF-style: chr11-108282811-T-C. GRCh37 (hg19) VCF-style: chr11-108153538-T-C.
Other names: c.3678T>C, p.Asp1226= (NM_001351834.2).
Identifiers: ClinVar variation 766371 (VCV000766371.9), dbSNP rs1591641476, ClinGen allele CA476673305.
Genomic context (GRCh38, chr11:108,282,811, plus strand): 5'-AGAAGACTTTATGGCATCTCATTTAGATTATCTGGTTTTGGAATGGCTAAATCTTCAAGA[T>C]ACTGAATACAACTTATCTTCTTTTCCTTTTATTTTATTAAACTACACAAATATTGAGGAT-3'
Protein context (NP_000042.3, residues 1216-1236): YLVLEWLNLQ[Asp1226=]TEYNLSSFPF

ClinVar aggregate classification (germline): Benign/Likely benign. Review status: criteria provided, multiple submitters, no conflicts (2 of 4 stars). 3 submissions from 3 submitters: Benign (1); Likely benign (2). Last evaluated 2024-05-15.

Conditions:
Familial cancer of breast. Also called: Hereditary breast cancer; hereditary breast carcinoma; BREAST CANCER, FAMILIAL. Identifiers: Orphanet 227535, MedGen C0346153, MONDO:0016419, OMIM 114480. Disease mechanism: loss of function.
Hereditary cancer-predisposing syndrome. Also called: Neoplastic Syndromes, Hereditary; Hereditary neoplastic syndrome; Tumor predisposition; Hereditary Cancer Syndrome. Identifiers: Orphanet 140162, MedGen C0027672, MeSH D009386, MONDO:0015356.
Ataxia-telangiectasia syndrome (AT). Also called: Ataxia-telangiectasia, complementation group D; AT, COMPLEMENTATION GROUP C; LOUIS-BAR SYNDROME; Ataxia telangiectasia (A-T); Cerebello-oculocutaneous telangiectasia; Immunodeficiency with ataxia telangiectasia. Identifiers: Orphanet 100, MedGen C0004135, MONDO:0008840, OMIM 208900.

Submissions (3):

Myriad Genetics, Inc.
Classification: Benign for Familial cancer of breast. Last evaluated: 2024-05-15. Review status: criteria provided, single submitter. Criteria: Myriad Autosomal Dominant, Autosomal Recessive and X-Linked Classification Criteria (2023). Collection method: clinical testing. Allele origin: unknown.
Comment: This variant is considered benign. This variant is a silent/synonymous amino acid change and it is not expected to impact splicing.

Labcorp Genetics (formerly Invitae), Labcorp
Classification: Likely benign for Ataxia-telangiectasia syndrome. Last evaluated: 2023-12-17. Review status: criteria provided, single submitter. Criteria: Invitae Variant Classification Sherloc (09022015). Collection method: clinical testing. Allele origin: germline.

Ambry Genetics
Classification: Likely benign for Hereditary cancer-predisposing syndrome. Last evaluated: 2023-10-12. Review status: criteria provided, single submitter. Criteria: Ambry Variant Classification Scheme 2023. Collection method: clinical testing. Allele origin: germline.